The following is an entry in ClinVar:

ClinVar aggregate classification (germline): Uncertain significance. Review status: criteria provided, multiple submitters, no conflicts (2 of 4 stars). 2 submissions from 2 submitters: Uncertain significance (2). Last evaluated 2025-07-23.

Allele frequency attached by ClinVar (database versions not stated): gnomAD exomes 0.00001; ExAC 0.00002; gnomAD 0.00008; TOPMed 0.00008.
gnomAD v4.1: 27 of 1,533,044 alleles (0.0018%); highest among the groups gnomAD compares: African/African-American, 0.018%; no homozygotes.

Submissions (2):

Labcorp Genetics (formerly Invitae), Labcorp
Classification: Uncertain significance. Last evaluated: 2025-07-23. Review status: criteria provided, single submitter. Criteria: Invitae Variant Classification Sherloc (09022015). Collection method: clinical testing. Allele origin: germline.
Comment: This sequence change replaces glycine, which is neutral and non-polar, with arginine, which is basic and polar, at codon 108 of the SLC12A6 protein (p.Gly108Arg). This variant is present in population databases (rs746589334, gnomAD 0.008%). This variant has not been reported in the literature in individuals affected with SLC12A6-related conditions. ClinVar contains an entry for this variant (Variation ID: 2160331). Invitae Evidence Modeling of protein sequence and biophysical properties (such as structural, functional, and spatial information, amino acid conservation, physicochemical variation, residue mobility, and thermodynamic stability) indicates that this missense variant is not expected to disrupt SLC12A6 protein function with a negative predictive value of 80%. In summary, the available evidence is currently insufficient to determine the role of this variant in disease. Therefore, it has been classified as a Variant of Uncertain Significance.

CeGaT Center for Human Genetics Tuebingen
Classification: Uncertain significance. Last evaluated: 2024-05-01. Review status: criteria provided, single submitter. Criteria: CeGaT Center For Human Genetics Tuebingen Variant Classification Criteria Version 2. Collection method: clinical testing. Allele origin: germline. Affected: yes. Observed: 1 variant allele.
Comment: SLC12A6: PM2

NM_001365088.1(SLC12A6):c.322G>A (p.Gly108Arg)

Gene: SLC12A6 (solute carrier family 12 member 6; minus strand). Cytogenetic location: 15q14.
Variant type: single nucleotide variant.
Coding change: c.322G>A on transcript NM_001365088.1 (MANE Select); coding-DNA position 322, G replaced by A.
Protein change: p.Gly108Arg; replaces glycine 108 with arginine.
Molecular consequence: missense variant.
Genome position (GRCh38, 1-based): chr15:34,261,015, C>T on the plus strand (G>A on the coding strand, the complement: SLC12A6 is on the minus strand). VCF-style: chr15-34261015-C-T. GRCh37 (hg19) VCF-style: chr15-34553216-C-T.
Other names: c.145G>A, p.Gly49Arg (NM_001042494.2, NM_001042495.2); c.295G>A, p.Gly99Arg (NM_001042496.2); c.277G>A, p.Gly93Arg (NM_001042497.2); c.169G>A, p.Gly57Arg (NM_005135.2); c.322G>A, p.Gly108Arg (NM_133647.2); short protein forms G108R, G93R, G99R, G49R, G57R.
Identifiers: ClinVar variation 2160331 (VCV002160331.23), dbSNP rs746589334, ClinGen allele CA7464591.